The following is an entry in ClinVar:

NM_001848.3(COL6A1):c.1534G>A (p.Gly512Ser)

Gene: COL6A1 (collagen type VI alpha 1 chain; plus strand). Cytogenetic location: 21q22.3.
Variant type: single nucleotide variant.
Coding change: c.1534G>A on transcript NM_001848.3 (MANE Select); coding-DNA position 1534, G replaced by A.
Protein change: p.Gly512Ser; replaces glycine 512 with serine.
Molecular consequence: missense variant.
Genome position (GRCh38, 1-based): chr21:45,998,130, G>A. VCF-style: chr21-45998130-G-A. GRCh37 (hg19) VCF-style: chr21-47418044-G-A.
Other names: short protein forms G512S.
Identifiers: ClinVar variation 954279 (VCV000954279.17), dbSNP rs201153092, ClinGen allele CA10070392.

ClinVar aggregate classification (germline): Uncertain significance. Review status: criteria provided, multiple submitters, no conflicts (2 of 4 stars). 3 submissions from 3 submitters: Uncertain significance (3). Last evaluated 2025-12-23.

Conditions:
Bethlem myopathy 1A. Also called: Bethlem Muscular Dystrophy; Bethlem myopathy 1; MYOPATHY, BENIGN CONGENITAL, WITH CONTRACTURES. Identifiers: Orphanet 610, MedGen CN029274, MONDO:0024530, OMIM 158810.

Allele frequency attached by ClinVar (database versions not stated): ExAC 0.00002; gnomAD 0.00003; gnomAD exomes 0.00004; TOPMed 0.00004; ESP Exome Variant Server 0.00008; 1000 Genomes Project 30x 0.00016; 1000 Genomes Project 0.00020.
gnomAD v4.1: 62 of 1,612,224 alleles (0.0038%); highest among the groups gnomAD compares: East Asian, 0.011%; no homozygotes.

Submissions (3):

Labcorp Genetics (formerly Invitae), Labcorp
Classification: Uncertain significance for Bethlem myopathy 1A. Last evaluated: 2025-12-23. Review status: criteria provided, single submitter. Criteria: Invitae Variant Classification Sherloc (09022015). Collection method: clinical testing. Allele origin: germline.
Comment: This sequence change replaces glycine, which is neutral and non-polar, with serine, which is neutral and polar, at codon 512 of the COL6A1 protein (p.Gly512Ser). This variant is present in population databases (rs201153092, gnomAD 0.005%). This variant has not been reported in the literature in individuals affected with COL6A1-related conditions. ClinVar contains an entry for this variant (Variation ID: 954279). Invitae Evidence Modeling of protein sequence and biophysical properties (such as structural, functional, and spatial information, amino acid conservation, physicochemical variation, residue mobility, and thermodynamic stability) indicates that this missense variant is expected to disrupt COL6A1 protein function with a positive predictive value of 80%. This variant disrupts the triple helix domain of COL6A1. Glycine residues within the Gly-Xaa-Yaa repeats of the triple helix domain are required for the structure and stability of fibrillar collagens (PMID: 7695699, 8218237, 19344236). In COL6A1, variants at these glycine residues are significantly enriched in individuals with autosomal dominant disease (PMID: 15689448, 24038877) compared to the general population (ExAC). In summary, the available evidence is currently insufficient to determine the role of this variant in disease. Therefore, it has been classified as a Variant of Uncertain Significance.

Mayo Clinic Laboratories, Mayo Clinic
Classification: Uncertain significance. Last evaluated: 2020-08-28. Review status: criteria provided, single submitter. Criteria: ACMG Guidelines, 2015. Collection method: clinical testing. Allele origin: germline. Observed: 1 variant allele.

GeneDx
Classification: Uncertain significance. Last evaluated: 2020-04-30. Review status: criteria provided, single submitter. Criteria: GeneDx Variant Classification Process June 2021. Collection method: clinical testing. Allele origin: germline. Affected: yes.
Comment: Identified via whole genome sequencing in the heterozygous state in 3 Chinese individuals with thoracic opacification of the posterior longitudinal ligament, but also identified but also identified in control samples (Wang et al., 2018); Located in a region intolerant to change: affects a glycine residue in a Gly-X-Y motif in the triple helical region of COL6A1; In silico analysis supports that this missense variant has a deleterious effect on protein structure/function; This variant is associated with the following publications: (PMID: 29207129, 32154576, 29764467)

Literature cited by the submitters: PubMed 7695699 (cited by Labcorp Genetics (formerly Invitae), Labcorp); PubMed 8218237 (cited by Labcorp Genetics (formerly Invitae), Labcorp); PubMed 19344236 (cited by Labcorp Genetics (formerly Invitae), Labcorp); PubMed 15689448 (cited by Labcorp Genetics (formerly Invitae), Labcorp); PubMed 24038877 (cited by Labcorp Genetics (formerly Invitae), Labcorp).